The following is an entry in ClinVar:

ClinVar aggregate classification (germline): Uncertain significance (1 of 4 stars; one submission).

Conditions:
Inborn genetic diseases. Identifiers: MedGen C0950123, MeSH D030342.

Submission:

Ambry Genetics
Classification: Uncertain significance for Inborn genetic diseases. Last evaluated: 2021-06-12. Review status: criteria provided, single submitter. Criteria: Ambry Variant Classification Scheme 2023. Collection method: clinical testing. Allele origin: germline.
Comment: The p.D1082E variant (also known as c.3246C>A), located in coding exon 24 of the LTBP3 gene, results from a C to A substitution at nucleotide position 3246. The aspartic acid at codon 1082 is replaced by glutamic acid, an amino acid with highly similar properties. This amino acid position is conserved. In addition, the in silico prediction for this alteration is inconclusive. Since supporting evidence is limited at this time, the clinical significance of this alteration remains unclear.

NM_001130144.3(LTBP3):c.3246C>A (p.Asp1082Glu)

Genes: LTBP3 (latent transforming growth factor beta binding protein 3; minus strand), LOC121832793 (Sharpr-MPRA regulatory region 4001; plus strand). Cytogenetic location: 11q13.1.
Variant type: single nucleotide variant.
Coding change: c.3246C>A on transcript NM_001130144.3 (MANE Select); coding-DNA position 3246, C replaced by A.
Protein change: p.Asp1082Glu; replaces aspartic acid 1082 with glutamic acid.
Molecular consequence: missense variant. On other transcripts: intron variant (2).
Genome position (GRCh38, 1-based): chr11:65,540,152, G>T on the plus strand (C>A on the coding strand, the complement: LTBP3 is on the minus strand). VCF-style: chr11-65540152-G-T. GRCh37 (hg19) VCF-style: chr11-65307623-G-T.
Other names: c.2893+93C>A (NM_001164266.1); c.3244+93C>A (NM_021070.4); short protein forms D1082E.
Identifiers: ClinVar variation 1729340 (VCV001729340.2), dbSNP rs1278465622, ClinGen allele CA381267308.